The following is an entry in ClinVar:

ClinVar aggregate classification (germline): Pathogenic (1 of 4 stars; one submission).

Conditions:
Joubert syndrome. Also called: CEREBELLOPARENCHYMAL DISORDER IV; JOUBERT-BOLTSHAUSER SYNDROME; Familial aplasia of the vermis. Identifiers: Orphanet 475, MedGen C5979921, MONDO:0018772.
Meckel-Gruber syndrome. Also called: DYSENCEPHALIA SPLANCHNOCYSTICA; GRUBER SYNDROME; Dysencephalia splachnocystica. Identifiers: Orphanet 564, MedGen C0265215, MONDO:0018921.

Submission:

Labcorp Genetics (formerly Invitae), Labcorp
Classification: Pathogenic for Joubert syndrome; Meckel-Gruber syndrome. Last evaluated: 2023-10-04. Review status: criteria provided, single submitter. Criteria: Invitae Variant Classification Sherloc (09022015). Collection method: clinical testing. Allele origin: germline.
Comment: This sequence change creates a premature translational stop signal (p.Asn293Phefs*10) in the TMEM67 gene. It is expected to result in an absent or disrupted protein product. Loss-of-function variants in TMEM67 are known to be pathogenic (PMID: 20232449, 23559409). This variant is not present in population databases (gnomAD no frequency). This variant has not been reported in the literature in individuals affected with TMEM67-related conditions. Algorithms developed to predict the effect of sequence changes on RNA splicing suggest that this variant may disrupt the consensus splice site. For these reasons, this variant has been classified as Pathogenic.

Literature cited by the submitters: PubMed 20232449; PubMed 23559409.

NM_153704.6(TMEM67):c.877_880del (p.Asn293fs)

Gene: TMEM67 (transmembrane protein 67; plus strand). Cytogenetic location: 8q22.1.
Variant type: Deletion.
Coding change: c.877_880del on transcript NM_153704.6 (MANE Select); coding-DNA positions 877 to 880, 4 bases deleted (AATC; older notation c.877_880delAATC).
Protein change: p.Asn293fs; shifts the reading frame from asparagine 293.
Molecular consequence: frameshift variant. On other transcripts: non-coding transcript variant (1).
Genome position (GRCh38, 1-based): chr8:93,780,881-93,780,884, AATC deleted. VCF-style (leftmost placement, unchanged base first): chr8-93780880-GAATC-G. GRCh37 (hg19) VCF-style: chr8-94793108-GAATC-G.
Other names: c.634_637del, p.Asn212fs (NM_001142301.1); short protein forms N212fs, N293fs.
Identifiers: ClinVar variation 2952459 (VCV002952459.3), dbSNP rs2536842897, ClinGen allele CA2740095079.